The following is an entry in ClinVar:

NM_001370259.2(MEN1):c.653G>C (p.Arg218Pro)

Gene: MEN1 (menin 1; minus strand). Cytogenetic location: 11q13.1.
Variant type: single nucleotide variant.
Coding change: c.653G>C on transcript NM_001370259.2 (MANE Select); coding-DNA position 653, G replaced by C.
Protein change: p.Arg218Pro; replaces arginine 218 with proline.
Molecular consequence: missense variant. On other transcripts: intron variant (2).
Genome position (GRCh38, 1-based): chr11:64,807,892, C>G on the plus strand (G>C on the coding strand, the complement: MEN1 is on the minus strand). VCF-style: chr11-64807892-C-G. GRCh37 (hg19) VCF-style: chr11-64575364-C-G.
Other names: c.668G>C, p.Arg223Pro (NM_000244.4, NM_130800.3, NM_130801.3 and 3 more transcripts); c.653G>C, p.Arg218Pro (NM_001370251.2, NM_001370260.2, NM_001370261.2 and 1 more transcripts); c.549+104G>C (NM_001370263.2, NM_001370262.2); short protein forms R218P, R223P.
Identifiers: ClinVar variation 942756 (VCV000942756.10), dbSNP rs1423517569, ClinGen allele CA381185290.

ClinVar aggregate classification (germline): Uncertain significance. Review status: criteria provided, multiple submitters, no conflicts (2 of 4 stars). 2 submissions from 2 submitters: Uncertain significance (2). Last evaluated 2025-10-07.

Conditions:
Multiple endocrine neoplasia, type 1 (MEN1). Also called: MEN I; WERMER SYNDROME; Endocrine adenomatosis multiple; MEN 1; MEA I. Identifiers: Orphanet 652, MedGen C0025267, MeSH D018761, MONDO:0007540, OMIM 131100.
Hereditary cancer-predisposing syndrome. Also called: Neoplastic Syndromes, Hereditary; Hereditary neoplastic syndrome; Hereditary Cancer Syndrome; Tumor predisposition. Identifiers: Orphanet 140162, MedGen C0027672, MeSH D009386, MONDO:0015356.

Submissions (2):

Ambry Genetics
Classification: Uncertain significance for Hereditary cancer-predisposing syndrome. Last evaluated: 2025-10-07. Review status: criteria provided, single submitter. Criteria: Ambry Variant Classification Scheme 2023. Collection method: clinical testing. Allele origin: germline.
Comment: The p.R218P variant (also known as c.653G>C), located in coding exon 2 of the MEN1 gene, results from a G to C substitution at nucleotide position 653. The arginine at codon 218 is replaced by proline, an amino acid with dissimilar properties. This amino acid position is well conserved in available vertebrate species. In addition, this alteration is predicted to be deleterious by in silico analysis. Based on the available evidence, the clinical significance of this variant remains unclear.

Labcorp Genetics (formerly Invitae), Labcorp
Classification: Uncertain significance for Multiple endocrine neoplasia, type 1. Last evaluated: 2019-08-21. Review status: criteria provided, single submitter. Criteria: Invitae Variant Classification Sherloc (09022015). Collection method: clinical testing. Allele origin: germline.
Comment: This sequence change replaces arginine with proline at codon 218 of the MEN1 protein (p.Arg218Pro). The arginine residue is moderately conserved and there is a moderate physicochemical difference between arginine and proline. In summary, the available evidence is currently insufficient to determine the role of this variant in disease. Therefore, it has been classified as a Variant of Uncertain Significance. Algorithms developed to predict the effect of missense changes on protein structure and function are either unavailable or do not agree on the potential impact of this missense change (SIFT: "Tolerated"; PolyPhen-2: "Possibly Damaging"; Align-GVGD: "Class C0"). This variant has not been reported in the literature in individuals with MEN1-related conditions. This variant is not present in population databases (ExAC no frequency).